The following is an entry in ClinVar:

NM_024580.6(EFL1):c.2908C>T (p.Arg970Cys)

Gene: EFL1 (elongation factor like GTPase 1; minus strand). Cytogenetic location: 15q25.2.
Variant type: single nucleotide variant.
Coding change: c.2908C>T on transcript NM_024580.6 (MANE Select); coding-DNA position 2908, C replaced by T.
Protein change: p.Arg970Cys; replaces arginine 970 with cysteine.
Molecular consequence: missense variant. On other transcripts: non-coding transcript variant (1).
Genome position (GRCh38, 1-based): chr15:82,151,546, G>A on the plus strand (C>T on the coding strand, the complement: EFL1 is on the minus strand). VCF-style: chr15-82151546-G-A. GRCh37 (hg19) VCF-style: chr15-82443887-G-A.
Other names: R970H; c.2755C>T, p.Arg919Cys (NM_001040610.3); c.2119C>T, p.Arg707Cys (NM_001322844.2); c.2908C>T, p.Arg970Cys (NM_001322845.2); short protein forms R707C, R919C, R970C.
Identifiers: ClinVar variation 985047 (VCV000985047.10), dbSNP rs757808847, ClinGen allele CA7697682.

ClinVar aggregate classification (germline): Uncertain significance. Review status: criteria provided, multiple submitters, no conflicts (2 of 4 stars). 3 submissions from 3 submitters: Uncertain significance (2). 1 of the submissions does not count toward it. Last evaluated 2024-02-17.

Conditions:
Shwachman-Diamond syndrome 2. Identifiers: MedGen C4693704, MONDO:0044205, OMIM 617941.
Inborn genetic diseases. Identifiers: MedGen C0950123, MeSH D030342.

Allele frequency attached by ClinVar (database versions not stated): gnomAD exomes below 0.00001; TOPMed 0.00002; gnomAD 0.00001; ExAC 0.00002.
gnomAD v4.1: 8 of 1,613,996 alleles (0.0005%); highest among the groups gnomAD compares: Non-Finnish European, 0.00068%; no homozygotes.

Submissions (3):

Labcorp Genetics (formerly Invitae), Labcorp
Classification: Uncertain significance. Last evaluated: 2024-02-17. Review status: criteria provided, single submitter. Criteria: Invitae Variant Classification Sherloc (09022015). Collection method: clinical testing. Allele origin: germline.
Comment: This sequence change replaces arginine, which is basic and polar, with cysteine, which is neutral and slightly polar, at codon 970 of the EFL1 protein (p.Arg970Cys). This variant is present in population databases (rs757808847, gnomAD 0.002%). This variant has not been reported in the literature in individuals affected with EFL1-related conditions. ClinVar contains an entry for this variant (Variation ID: 985047). Advanced modeling of protein sequence and biophysical properties (such as structural, functional, and spatial information, amino acid conservation, physicochemical variation, residue mobility, and thermodynamic stability) performed at Invitae indicates that this missense variant is expected to disrupt EFL1 protein function with a positive predictive value of 80%. In summary, the available evidence is currently insufficient to determine the role of this variant in disease. Therefore, it has been classified as a Variant of Uncertain Significance.

Ambry Genetics
Classification: Uncertain significance for Inborn genetic diseases. Last evaluated: 2022-06-28. Review status: criteria provided, single submitter. Criteria: Ambry Variant Classification Scheme 2023. Collection method: clinical testing. Allele origin: germline.
Comment: The alteration results in an amino acid change:_x000D_ _x000D_ The c.2908C>T (p.R970C) alteration is located in exon 18 (coding exon 17) of the EFL1 gene. This alteration results from a C to T substitution at nucleotide position 2908, causing the arginine (R) at amino acid position 970 to be replaced by a cysteine (C). Based on data from gnomAD, the T allele has an overall frequency of <0.01% (1/249396) total alleles studied. The highest observed frequency was <0.01% (1/113134) of European (non-Finnish) alleles. The in silico prediction for this alteration is inconclusive. Based on insufficient or conflicting evidence, the clinical significance of this alteration remains unclear.

OMIM
Classification: Pathogenic for SHWACHMAN-DIAMOND SYNDROME 2. Last evaluated: 2022-04-18. Review status: no assertion criteria provided. Collection method: literature only. Allele origin: germline. Not counted in ClinVar's aggregate classification.

Literature cited by the submitters: PubMed 31151987 (cited by Ambry Genetics and OMIM).